The following is an entry in ClinVar:

NM_058216.3(RAD51C):c.29T>G (p.Met10Arg)

Gene: RAD51C (RAD51 paralog C; plus strand). Cytogenetic location: 17q22.
Variant type: single nucleotide variant.
Coding change: c.29T>G on transcript NM_058216.3 (MANE Select); coding-DNA position 29, T replaced by G.
Protein change: p.Met10Arg; replaces methionine 10 with arginine.
Molecular consequence: missense variant. On other transcripts: non-coding transcript variant (2).
Genome position (GRCh38, 1-based): chr17:58,692,672, T>G. VCF-style: chr17-58692672-T-G. GRCh37 (hg19) VCF-style: chr17-56770033-T-G.
Other names: p.M10R:ATG>AGG; c.29T>G, p.Met10Arg (NM_002876.4); short protein forms M10R.
Identifiers: ClinVar variation 182841 (VCV000182841.36), dbSNP rs730881936, ClinGen allele CA299898.

ClinVar aggregate classification (germline): Uncertain significance. Review status: criteria provided, multiple submitters, no conflicts (2 of 4 stars). 10 submissions from 10 submitters: Uncertain significance (10). Last evaluated 2025-12-22.

Conditions:
RAD51C-related disorder. Also called: RAD51C-related condition; RAD51C-related disorders.
Fanconi anemia complementation group O. Also called: RAD51C-Related Fanconi Anemia. Identifiers: Orphanet 84, MedGen C3150653, MONDO:0013248, OMIM 613390.
Breast-ovarian cancer, familial, susceptibility to, 3. Also called: RAD51C-Related Breast/Ovarian Cancer. Identifiers: Orphanet 145, MedGen C3150659, MONDO:0013253, OMIM 613399.
Hereditary cancer-predisposing syndrome. Also called: Tumor predisposition; Neoplastic Syndromes, Hereditary; Hereditary Cancer Syndrome; Hereditary neoplastic syndrome. Identifiers: Orphanet 140162, MedGen C0027672, MeSH D009386, MONDO:0015356.

Allele frequency attached by ClinVar (database versions not stated): gnomAD exomes 0.00001; TOPMed 0.00001; ExAC 0.00002.

Submissions (10):

PreventionGenetics, part of Exact Sciences
Classification: Uncertain significance for RAD51C-related condition. Last evaluated: 2025-12-22. Review status: criteria provided, single submitter. Criteria: ACMG Guidelines, 2015. Collection method: clinical testing. Allele origin: germline.
Comment: The RAD51C c.29T>G variant is predicted to result in the amino acid substitution p.Met10Arg. This variant has been reported in an individual with ovarian cancer (Vuorela et al. 2011. PubMed ID: 21750962) and in an individual with breast cancer (Hauke et al. 2018. PubMed ID: 29522266). One functional study found this variant had a minimal/neutral effect on protein function (Hu et al. 2023. PubMed ID: 37253112). Other functional studies demonstrate p.Met10 is an alternate translation start site and is able to rescue homologous recombination (Rein and Bernstein. 2024. PubMed ID: 38330859; Rein et al. 2025. PubMed ID: 40670332). Alternate missense changes at this same amino acid position have been reported in individuals with breast (p.Met10Leu) or ovarian (p.Met10Ile) cancer (Table S2, Boni et al. 2022. PubMed ID: 34923718; Table S2, Bishop et al. 2020. PubMed ID: 32866190). This variant is reported in 0.0018% of alleles in individuals of European (non-Finnish) descent in gnomAD. This variant has an interpretation of uncertain significance in ClinVar (Variation ID: 182841). At this time, the clinical significance of this variant is uncertain due to the absence of conclusive functional and genetic evidence.

Labcorp Genetics (formerly Invitae), Labcorp
Classification: Uncertain significance for Fanconi anemia complementation group O. Last evaluated: 2025-12-16. Review status: criteria provided, single submitter. Criteria: Invitae Variant Classification Sherloc (09022015). Collection method: clinical testing. Allele origin: germline.
Comment: This sequence change replaces methionine, which is neutral and non-polar, with arginine, which is basic and polar, at codon 10 of the RAD51C protein (p.Met10Arg). This variant is present in population databases (rs730881936, gnomAD 0.002%). This missense change has been observed in individual(s) with ovarian cancer (PMID: 21750962). ClinVar contains an entry for this variant (Variation ID: 182841). An algorithm developed to predict the effect of missense changes on protein structure and function (PolyPhen-2) suggests that this variant is likely to be disruptive. Experimental studies have shown that this missense change does not substantially affect RAD51C function (PMID: 37253112). RNA analysis performed to evaluate the impact of this missense change on mRNA splicing indicates it does not significantly alter splicing (internal data). In summary, the available evidence is currently insufficient to determine the role of this variant in disease. Therefore, it has been classified as a Variant of Uncertain Significance.

Ambry Genetics
Classification: Uncertain significance for Hereditary cancer-predisposing syndrome. Last evaluated: 2025-10-03. Review status: criteria provided, single submitter. Criteria: Ambry Variant Classification Scheme 2023. Collection method: clinical testing. Allele origin: germline.
Comment: The p.M10R variant (also known as c.29T>G), located in coding exon 1 of the RAD51C gene, results from a T to G substitution at nucleotide position 29. The methionine at codon 10 is replaced by arginine, an amino acid with similar properties. This alteration was identified in 1/232 ovarian cancer patients not selected for family history (Vuorela M et al. Breast Cancer Res. Treat. 2011 Dec;130:1003-10). This alteration was also detected in 1/5589 German BRCA1/2-negative probands with breast cancer (Hauke J et al. Cancer Med, 2018 Apr;7:1349-1358). This amino acid position is highly conserved in available vertebrate species. In addition, the in silico prediction for this alteration is inconclusive. Since supporting evidence is limited at this time, the clinical significance of this alteration remains unclear.

Color Diagnostics, LLC DBA Color Health
Classification: Uncertain significance for Hereditary cancer-predisposing syndrome. Last evaluated: 2025-04-29. Review status: criteria provided, single submitter. Criteria: ACMG Guidelines, 2015. Collection method: clinical testing. Allele origin: germline.
Comment: This missense variant replaces methionine with arginine at codon 10 of the RAD51C protein. Computational prediction suggests that this variant may not impact protein structure and function. This variant did not have a functional impact in a homology-directed repair reporter assay (PMID: 37253112). This variant has been reported in individuals affected with breast cancer and/or ovarian cancer (PMID: 21750962, 29522266, 37253112, 38330859). This variant has been identified in 2/251448 chromosomes in the general population by the Genome Aggregation Database (gnomAD). The available evidence is insufficient to determine the role of this variant in disease conclusively. Therefore, this variant is classified as a Variant of Uncertain Significance.

CeGaT Center for Human Genetics Tuebingen
Classification: Uncertain significance. Last evaluated: 2025-04-01. Review status: criteria provided, single submitter. Criteria: CeGaT Center For Human Genetics Tuebingen Variant Classification Criteria Version 2. Collection method: clinical testing. Allele origin: germline. Affected: yes. Observed: 1 variant allele.
Comment: RAD51C: PM2:Supporting, BS3:Supporting

GeneDx
Classification: Uncertain significance. Last evaluated: 2024-12-16. Review status: criteria provided, single submitter. Criteria: GeneDx Variant Classification Process June 2021. Collection method: clinical testing. Allele origin: germline. Affected: yes.
Comment: Not observed at significant frequency in large population cohorts (gnomAD); In silico analysis supports that this missense variant has a deleterious effect on protein structure/function; This variant is associated with the following publications: (PMID: 25470109, 23117857, 37253112, 38330859, 29522266, 21750962)

Baylor Genetics
Classification: Uncertain significance for Breast-ovarian cancer, familial, susceptibility to, 3. Last evaluated: 2024-02-28. Review status: criteria provided, single submitter. Criteria: ACMG Guidelines, 2015. Collection method: clinical testing. Allele origin: unknown.

MGZ Medical Genetics Center
Classification: Uncertain significance for Breast-ovarian cancer, familial, susceptibility to, 3. Last evaluated: 2022-08-08. Review status: criteria provided, single submitter. Criteria: ACMG Guidelines, 2015. Collection method: clinical testing. Allele origin: germline. Affected: yes. Observed: 1 variant allele.
Comment: ACMG criteria applied: PM2_SUP, BP4

Fulgent Genetics
Classification: Uncertain significance for Fanconi anemia complementation group O; Breast-ovarian cancer, familial, susceptibility to, 3. Last evaluated: 2021-10-27. Review status: criteria provided, single submitter. Criteria: ACMG Guidelines, 2015. Collection method: clinical testing. Allele origin: unknown.

Quest Diagnostics Nichols Institute San Juan Capistrano
Classification: Uncertain significance. Last evaluated: 2018-11-13. Review status: criteria provided, single submitter. Criteria: Quest Diagnostics criteria. Collection method: clinical testing. Allele origin: germline.

Literature cited by the submitters: PubMed 21750962 (cited by 4 submitters); PubMed 37253112 (cited by Labcorp Genetics (formerly Invitae), Labcorp and Color Diagnostics, LLC DBA Color Health); PubMed 29522266 (cited by Ambry Genetics and Color Diagnostics, LLC DBA Color Health); PubMed 38330859 (cited by Color Diagnostics, LLC DBA Color Health); PubMed 23117857 (cited by Quest Diagnostics Nichols Institute San Juan Capistrano); PubMed 25470109 (cited by Quest Diagnostics Nichols Institute San Juan Capistrano).